The following is an entry in ClinVar:

ClinVar aggregate classification (germline): Uncertain significance (1 of 4 stars; one submission).

Submission:

GeneDx
Classification: Uncertain significance. Last evaluated: 2023-12-07. Review status: criteria provided, single submitter. Criteria: GeneDx Variant Classification Process June 2021. Collection method: clinical testing. Allele origin: germline. Affected: yes.
Comment: Not observed at significant frequency in large population cohorts (gnomAD); In silico analysis supports that this missense variant does not alter protein structure/function; Has not been previously published as pathogenic or benign to our knowledge

NM_033305.3(VPS13A):c.5931T>G (p.Ile1977Met)

Gene: VPS13A (vacuolar protein sorting 13 homolog A; plus strand). Cytogenetic location: 9q21.2.
Variant type: single nucleotide variant.
Coding change: c.5931T>G on transcript NM_033305.3 (MANE Select); coding-DNA position 5931, T replaced by G.
Protein change: p.Ile1977Met; replaces isoleucine 1977 with methionine.
Molecular consequence: missense variant.
Genome position (GRCh38, 1-based): chr9:77,323,167, T>G. VCF-style: chr9-77323167-T-G. GRCh37 (hg19) VCF-style: chr9-79938083-T-G.
Other names: c.5814T>G, p.Ile1938Met (NM_001018037.2); c.5931T>G, p.Ile1977Met (NM_001018038.3, NM_015186.4); short protein forms I1938M, I1977M.
Identifiers: ClinVar variation 3252426 (VCV003252426.1), dbSNP rs2538015661.